The following is an entry in ClinVar:

NM_021020.5(LZTS1):c.1706G>A (p.Arg569His)

Gene: LZTS1 (leucine zipper tumor suppressor 1; minus strand). Cytogenetic location: 8p21.3.
Variant type: single nucleotide variant.
Coding change: c.1706G>A on transcript NM_021020.5 (MANE Select); coding-DNA position 1706, G replaced by A.
Protein change: p.Arg569His; replaces arginine 569 with histidine.
Molecular consequence: missense variant.
Genome position (GRCh38, 1-based): chr8:20,249,807, C>T on the plus strand (G>A on the coding strand, the complement: LZTS1 is on the minus strand). VCF-style: chr8-20249807-C-T. GRCh37 (hg19) VCF-style: chr8-20107318-C-T.
Other names: c.1706G>A, p.Arg569His (NM_001362884.2); short protein forms R569H.
Identifiers: ClinVar variation 1346561 (VCV001346561.6), dbSNP rs771940536, ClinGen allele CA4657206.

ClinVar aggregate classification (germline): Uncertain significance (1 of 4 stars; one submission).

Allele frequency attached by ClinVar (database versions not stated): gnomAD exomes 0.00001; ExAC 0.00002; TOPMed 0.00002; gnomAD 0.00003.
gnomAD v4.1: 20 of 1,614,022 alleles (0.0012%); highest among the groups gnomAD compares: East Asian, 0.018%; no homozygotes.

Submission:

Labcorp Genetics (formerly Invitae), Labcorp
Classification: Uncertain significance. Last evaluated: 2025-05-02. Review status: criteria provided, single submitter. Criteria: Invitae Variant Classification Sherloc (09022015). Collection method: clinical testing. Allele origin: germline.
Comment: This sequence change replaces arginine, which is basic and polar, with histidine, which is basic and polar, at codon 569 of the LZTS1 protein (p.Arg569His). This variant is present in population databases (rs771940536, gnomAD 0.007%). This variant has not been reported in the literature in individuals affected with LZTS1-related conditions. ClinVar contains an entry for this variant (Variation ID: 1346561). Invitae Evidence Modeling of protein sequence and biophysical properties (such as structural, functional, and spatial information, amino acid conservation, physicochemical variation, residue mobility, and thermodynamic stability) indicates that this missense variant is not expected to disrupt LZTS1 protein function with a negative predictive value of 80%. In summary, the available evidence is currently insufficient to determine the role of this variant in disease. Therefore, it has been classified as a Variant of Uncertain Significance.